The following is an entry in ClinVar:

ClinVar aggregate classification (germline): Uncertain significance (1 of 4 stars; one submission).

Allele frequency attached by ClinVar (database versions not stated): TOPMed below 0.00001.
gnomAD v4.1: 2 of 1,613,968 alleles (0.00012%); highest among the groups gnomAD compares: Non-Finnish European, 0.00017%; no homozygotes.

Submission:

Labcorp Genetics (formerly Invitae), Labcorp
Classification: Uncertain significance. Last evaluated: 2025-09-08. Review status: criteria provided, single submitter. Criteria: Invitae Variant Classification Sherloc (09022015). Collection method: clinical testing. Allele origin: germline.
Comment: This sequence change replaces lysine, which is basic and polar, with asparagine, which is neutral and polar, at codon 18 of the DDX58 protein (p.Lys18Asn). This variant is not present in population databases (gnomAD no frequency). This variant has not been reported in the literature in individuals affected with DDX58-related conditions. ClinVar contains an entry for this variant (Variation ID: 2909881). An algorithm developed to predict the effect of missense changes on protein structure and function outputs the following: PolyPhen-2: "Possibly Damaging". The asparagine amino acid residue is found in multiple mammalian species, which suggests that this missense change does not adversely affect protein function. In summary, the available evidence is currently insufficient to determine the role of this variant in disease. Therefore, it has been classified as a Variant of Uncertain Significance.

NM_014314.4(RIGI):c.54G>C (p.Lys18Asn)

Genes: RIGI (RNA sensor RIG-I; minus strand), LOC130001628 (ATAC-STARR-seq lymphoblastoid active region 28262; plus strand). Cytogenetic location: 9p21.1.
Variant type: single nucleotide variant.
Coding change: c.54G>C on transcript NM_014314.4 (MANE Select); coding-DNA position 54, G replaced by C.
Protein change: p.Lys18Asn; replaces lysine 18 with asparagine.
Molecular consequence: missense variant. On other transcripts: 5 prime UTR variant (3).
Genome position (GRCh38, 1-based): chr9:32,526,113, C>G on the plus strand (G>C on the coding strand, the complement: RIGI is on the minus strand). VCF-style: chr9-32526113-C-G. GRCh37 (hg19) VCF-style: chr9-32526111-C-G.
Other names: c.54G>C, p.Lys18Asn (NM_001385907.1, NM_001385909.1, NM_001385913.1); c.-401G>C (NM_001385910.1, NM_001385914.1); c.-408G>C (NM_001385912.1); short protein forms K18N.
Identifiers: ClinVar variation 2909881 (VCV002909881.3), dbSNP rs763359633, ClinGen allele CA373151002.